The following is an entry in ClinVar:

NM_001130823.3(DNMT1):c.5C>T (p.Pro2Leu)

Genes: DNMT1 (DNA methyltransferase 1; minus strand), LOC130063472 (ATAC-STARR-seq lymphoblastoid silent region 10057; plus strand). Cytogenetic location: 19p13.2.
Variant type: single nucleotide variant.
Coding change: c.5C>T on transcript NM_001130823.3 (MANE Select); coding-DNA position 5, C replaced by T.
Protein change: p.Pro2Leu; replaces proline 2 with leucine.
Molecular consequence: missense variant. On other transcripts: 5 prime UTR variant (1).
Genome position (GRCh38, 1-based): chr19:10,194,895, G>A on the plus strand (C>T on the coding strand, the complement: DNMT1 is on the minus strand). VCF-style: chr19-10194895-G-A. GRCh37 (hg19) VCF-style: chr19-10305571-G-A.
Other names: c.5C>T, p.Pro2Leu (NM_001318730.2, NM_001379.4); c.-319C>T (NM_001318731.2); short protein forms P2L.
Identifiers: ClinVar variation 838352 (VCV000838352.10), dbSNP rs1248298976, ClinGen allele CA403950279.

ClinVar aggregate classification (germline): Uncertain significance (1 of 4 stars; one submission).

Conditions:
Hereditary sensory neuropathy-deafness-dementia syndrome. Also called: Hereditary sensory neuropathy type IE; NEUROPATHY, HEREDITARY SENSORY, WITH HEARING LOSS AND DEMENTIA; HSN IE; Hereditary Sensory and Autonomic Neuropathy Type 1E (HSAN1E). Identifiers: Orphanet 456318, MedGen C3279885, MONDO:0013584, OMIM 614116.

gnomAD v4.1: 6 of 1,608,574 alleles (0.00037%); highest among the groups gnomAD compares: East Asian, 0.0022%; no homozygotes.

Submission:

Labcorp Genetics (formerly Invitae), Labcorp
Classification: Uncertain significance for Hereditary sensory neuropathy-deafness-dementia syndrome. Last evaluated: 2022-08-16. Review status: criteria provided, single submitter. Criteria: Invitae Variant Classification Sherloc (09022015). Collection method: clinical testing. Allele origin: germline.
Comment: In summary, the available evidence is currently insufficient to determine the role of this variant in disease. Therefore, it has been classified as a Variant of Uncertain Significance. Algorithms developed to predict the effect of missense changes on protein structure and function are either unavailable or do not agree on the potential impact of this missense change (SIFT: "Tolerated"; PolyPhen-2: "Probably Damaging"; Align-GVGD: "Class C0"). ClinVar contains an entry for this variant (Variation ID: 838352). This variant has not been reported in the literature in individuals affected with DNMT1-related conditions. This variant is not present in population databases (gnomAD no frequency). This sequence change replaces proline, which is neutral and non-polar, with leucine, which is neutral and non-polar, at codon 2 of the DNMT1 protein (p.Pro2Leu).